The following is an entry in ClinVar:

NM_001276345.2(TNNT2):c.52+3A>C

Gene: TNNT2 (troponin T2, cardiac type; minus strand). Cytogenetic location: 1q32.1.
Variant type: single nucleotide variant.
Coding change: c.52+3A>C on transcript NM_001276345.2 (MANE Select); 3 bases into the intron after coding-DNA position 52, A replaced by C.
Molecular consequence: intron variant.
Genome position (GRCh38, 1-based): chr1:201,372,142, T>G on the plus strand (A>C on the coding strand, the complement: TNNT2 is on the minus strand). VCF-style: chr1-201372142-T-G. GRCh37 (hg19) VCF-style: chr1-201341270-T-G.
Other names: c.52+3A>C (NM_001001432.3, NM_001001431.3, NM_001001430.3 and 3 more transcripts).
Identifiers: ClinVar variation 925354 (VCV000925354.6), dbSNP rs763459940, ClinGen allele CA077300.

ClinVar aggregate classification (germline): Uncertain significance. Review status: criteria provided, multiple submitters, no conflicts (2 of 4 stars). 2 submissions from 2 submitters: Uncertain significance (2). Last evaluated 2023-01-10.

Conditions:
Cardiomyopathy (CMYO). Also called: Cardiomyopathies. Identifiers: Orphanet 167848, MedGen C0878544, MONDO:0004994, HP:0001638. Inheritance: Various modes of inheritance.

Allele frequency attached by ClinVar (database versions not stated): ExAC 0.00001; gnomAD exomes 0.00001.
gnomAD v4.1: 5 of 1,614,168 alleles (0.00031%); highest among the groups gnomAD compares: South Asian, 0.0055%; no homozygotes.

Submissions (2):

All of Us Research Program, National Institutes of Health
Classification: Uncertain significance for Cardiomyopathy. Last evaluated: 2023-01-10. Review status: criteria provided, single submitter. Criteria: ACMG Guidelines, 2015. Collection method: clinical testing. Allele origin: germline. Inheritance: Autosomal dominant inheritance. Observed: 1 variant allele, 1 heterozygote.
Comment: This variant causes an A to C nucleotide substitution at the +3 position of intron 3 of the TNNT2 gene. Splice site prediction tools are inconclusive regarding the impact of this variant on RNA splicing. To our knowledge, functional studies have not been reported for this variant. This variant has not been reported in individuals affected with TNNT2-related disorders in the literature. Clinical relevance of loss-of-function TNNT2 truncation and splice variants in autosomal dominant cardiovascular disorders is not clearly established. This variant has been identified in 2/251484 chromosomes in the general population by the Genome Aggregation Database (gnomAD). The available evidence is insufficient to determine the role of this variant in disease conclusively. Therefore, this variant is classified as a Variant of Uncertain Significance.

This study involves interpretation of variants in research participants for the purpose of population health screening. Participant phenotype was not available at the time of variant classification. Additional details can be found in publication PMID: 35346344, PMCID: PMC8962531

Color Diagnostics, LLC DBA Color Health
Classification: Uncertain significance for Cardiomyopathy. Last evaluated: 2022-11-08. Review status: criteria provided, single submitter. Criteria: ACMG Guidelines, 2015. Collection method: clinical testing. Allele origin: germline.
Comment: This variant causes an A to C nucleotide substitution at the +3 position of intron 3 of the TNNT2 gene. Splice site prediction tools are inconclusive regarding the impact of this variant on RNA splicing. To our knowledge, functional studies have not been reported for this variant. This variant has not been reported in individuals affected with TNNT2-related disorders in the literature. Clinical relevance of loss-of-function TNNT2 truncation and splice variants in autosomal dominant cardiovascular disorders is not clearly established. This variant has been identified in 2/251484 chromosomes in the general population by the Genome Aggregation Database (gnomAD). The available evidence is insufficient to determine the role of this variant in disease conclusively. Therefore, this variant is classified as a Variant of Uncertain Significance.